The following is an entry in ClinVar:

ClinVar aggregate classification (germline): Benign/Likely benign. Review status: criteria provided, multiple submitters, no conflicts (2 of 4 stars). 3 submissions from 3 submitters: Benign (2); Likely benign (1). Last evaluated 2022-12-01.

Allele frequency attached by ClinVar (database versions not stated): ExAC 0.00115; ESP Exome Variant Server 0.00192; gnomAD 0.00219 and 0.00227; TOPMed 0.00284; 1000 Genomes Project 0.00399; 1000 Genomes Project 30x 0.00422.
gnomAD v4.1: 1,462 of 1,594,000 alleles (0.092%); highest among the groups gnomAD compares: Middle Eastern, 0.61%; 6 homozygotes.

Submissions (3):

CeGaT Center for Human Genetics Tuebingen
Classification: Likely benign. Last evaluated: 2022-12-01. Review status: criteria provided, single submitter. Criteria: CeGaT Center For Human Genetics Tuebingen Variant Classification Criteria Version 2. Collection method: clinical testing. Allele origin: germline. Affected: yes. Observed: 1 variant allele.
Comment: PLB1: BP4, BP7

Labcorp Genetics (formerly Invitae), Labcorp
Classification: Benign. Last evaluated: 2019-12-31. Review status: criteria provided, single submitter. Criteria: Invitae Variant Classification Sherloc (09022015). Collection method: clinical testing. Allele origin: germline.

Breakthrough Genomics
Classification: Benign. Review status: criteria provided, single submitter. Criteria: ACMG Guidelines, 2015. Collection method: not provided. Allele origin: germline. Inheritance: Unknown mechanism. Affected: yes.

NM_153021.5(PLB1):c.414T>C (p.Ala138=)

Gene: PLB1 (phospholipase B1; plus strand). Cytogenetic location: 2p23.2.
Variant type: single nucleotide variant.
Coding change: c.414T>C on transcript NM_153021.5 (MANE Select); coding-DNA position 414, T replaced by C.
Protein change: p.Ala138=; no amino-acid change (alanine 138 retained).
Molecular consequence: synonymous variant.
Genome position (GRCh38, 1-based): chr2:28,529,405, T>C. VCF-style: chr2-28529405-T-C. GRCh37 (hg19) VCF-style: chr2-28752272-T-C.
Other names: c.414T>C, p.Ala138= (NM_001170585.2).
Identifiers: ClinVar variation 728995 (VCV000728995.29), dbSNP rs144640748, ClinGen allele CA1586888.